The following is an entry in ClinVar:

NM_052859.4(RFT1):c.*2646T>C

Gene: RFT1 (RFT1 glycolipid translocator homolog; minus strand). Cytogenetic location: 3p21.1.
Variant type: single nucleotide variant.
Coding change: c.*2646T>C on transcript NM_052859.4 (MANE Select); 2646 bases downstream of the stop codon, T replaced by C.
Molecular consequence: 3 prime UTR variant.
Genome position (GRCh38, 1-based): chr3:53,089,257, A>G on the plus strand (T>C on the coding strand, the complement: RFT1 is on the minus strand). VCF-style: chr3-53089257-A-G. GRCh37 (hg19) VCF-style: chr3-53123273-A-G.
Identifiers: ClinVar variation 346149 (VCV000346149.6), dbSNP rs891368, ClinGen allele CA10616415.
Genomic context (GRCh38, chr3:53,089,257, plus strand): 5'-GCTGGGAACAGGGCAGAGTAGCGGTTCCAGAGCCAGAAGTTGCCATCAGGTAAGCATTAA[A>G]CAGCACAGCAGCAGCTCCTCACTGAGAGACCCCAAGCCAAATCTGAAGTGACCAACAGTT-3'

ClinVar aggregate classification (germline): Benign. Review status: criteria provided, multiple submitters, no conflicts (2 of 4 stars). 2 submissions from 2 submitters: Benign (2). Last evaluated 2018-01-13.

Conditions:
RFT1-congenital disorder of glycosylation (CDG1N). Also called: Congenital disorder of glycosylation type In; CDG In; RFT1-CDG. Identifiers: Orphanet 244310, MedGen C2677590, MONDO:0012783, OMIM 612015.

Allele frequency attached by ClinVar (database versions not stated): gnomAD 0.47736 and 0.48308; TOPMed 0.48001; 1000 Genomes Project 30x 0.48017; 1000 Genomes Project 0.49042; gnomAD exomes 0.64439.
gnomAD v4.1: 74,018 of 152,460 alleles (49%); highest among the groups gnomAD compares: East Asian, 73%; 19,855 homozygotes.

Submissions (2):

Illumina Laboratory Services, Illumina
Classification: Benign for RFT1-congenital disorder of glycosylation. Last evaluated: 2018-01-13. Review status: criteria provided, single submitter. Criteria: ICSL Variant Classification Criteria 13 December 2019. Collection method: clinical testing. Allele origin: germline.
Comment: This variant was observed in the ICSL laboratory as part of a predisposition screen in an ostensibly healthy population. It had not been previously curated by ICSL or reported in the Human Gene Mutation Database (HGMD: prior to June 1st, 2018), and was therefore a candidate for classification through an automated scoring system. Utilizing variant allele frequency, disease prevalence and penetrance estimates, and inheritance mode, an automated score was calculated to assess if this variant is too frequent to cause the disease. Based on the score and internal cut-off values, a variant classified as benign is not then subjected to further curation. The score for this variant resulted in a classification of benign for this disease.

Breakthrough Genomics
Classification: Benign. Review status: criteria provided, single submitter. Criteria: ACMG Guidelines, 2015. Collection method: not provided. Allele origin: germline. Inheritance: Autosomal recessive inheritance. Affected: yes.